The following is an entry in ClinVar:

NM_173660.5(DOK7):c.773-67G>A

Gene: DOK7 (docking protein 7; plus strand). Cytogenetic location: 4p16.3.
Variant type: single nucleotide variant.
Coding change: c.773-67G>A on transcript NM_173660.5 (MANE Select); 67 bases into the intron before coding-DNA position 773, G replaced by A.
Molecular consequence: intron variant.
Genome position (GRCh38, 1-based): chr4:3,492,692, G>A. VCF-style: chr4-3492692-G-A. GRCh37 (hg19) VCF-style: chr4-3494419-G-A.
Other names: c.773-67G>A (NM_001301071.2); c.341-67G>A (NM_001363811.2); c.762-67G>A (NM_001164673.2); c.-158-67G>A (NM_001256896.2).
Identifiers: ClinVar variation 681774 (VCV000681774.2), dbSNP rs62272676, ClinGen allele CA11821515.

ClinVar aggregate classification (germline): Benign. Review status: criteria provided, multiple submitters, no conflicts (2 of 4 stars). 2 submissions from 2 submitters: Benign (2). Last evaluated 2018-06-19.

Allele frequency attached by ClinVar (database versions not stated): 1000 Genomes Project 0.05092; 1000 Genomes Project 30x 0.05356; gnomAD 0.08352 and 0.08672; TOPMed 0.08457; gnomAD exomes 0.09150.
gnomAD v4.1: 144,937 of 1,597,760 alleles (9.1%); highest among the groups gnomAD compares: Middle Eastern, 13%; 7,108 homozygotes.

Submissions (2):

GeneDx
Classification: Benign. Last evaluated: 2018-06-19. Review status: criteria provided, single submitter. Criteria: GeneDx Variant Classification (06012015). Collection method: clinical testing. Allele origin: germline. Affected: yes.
Comment: This variant is considered likely benign or benign based on one or more of the following criteria: it is a conservative change, it occurs at a poorly conserved position in the protein, it is predicted to be benign by multiple in silico algorithms, and/or has population frequency not consistent with disease.

Breakthrough Genomics
Classification: Benign. Review status: criteria provided, single submitter. Criteria: ACMG Guidelines, 2015. Collection method: not provided. Allele origin: germline. Inheritance: Autosomal recessive inheritance. Affected: yes.